The following is an entry in ClinVar:

ClinVar aggregate classification (germline): Likely benign (1 of 4 stars; one submission).

Allele frequency attached by ClinVar (database versions not stated): gnomAD exomes below 0.00001.
gnomAD v4.1: 2 of 1,611,542 alleles (0.00012%); highest among the groups gnomAD compares: South Asian, 0.0011%; no homozygotes.

Submission:

CeGaT Center for Human Genetics Tuebingen
Classification: Likely benign. Last evaluated: 2024-01-01. Review status: criteria provided, single submitter. Criteria: CeGaT Center For Human Genetics Tuebingen Variant Classification Criteria Version 2. Collection method: clinical testing. Allele origin: germline. Affected: yes. Observed: 1 variant allele.
Comment: CLIP2: PM2:Supporting, BP4, BP7

NM_003388.5(CLIP2):c.2499C>T (p.Asn833=)

Gene: CLIP2 (CAP-Gly domain containing linker protein 2; plus strand). Cytogenetic location: 7q11.23.
Variant type: single nucleotide variant.
Coding change: c.2499C>T on transcript NM_003388.5 (MANE Select); coding-DNA position 2499, C replaced by T.
Protein change: p.Asn833=; no amino-acid change (asparagine 833 retained).
Molecular consequence: synonymous variant.
Genome position (GRCh38, 1-based): chr7:74,386,540, C>T. VCF-style: chr7-74386540-C-T. GRCh37 (hg19) VCF-style: chr7-73800870-C-T.
Other names: c.2394C>T, p.Asn798= (NM_032421.3).
Identifiers: ClinVar variation 3026298 (VCV003026298.22), dbSNP rs2487843768, ClinGen allele CA455888003.